The following is an entry in ClinVar:

ClinVar aggregate classification (germline): Likely pathogenic (1 of 4 stars; one submission).

Conditions:
Acute infantile liver failure due to synthesis defect of mtDNA-encoded proteins. Also called: LIVER FAILURE, INFANTILE, TRANSIENT; Liver failure acute infantile; TRMU Deficiency. Identifiers: Orphanet 217371, MedGen C3278664, MONDO:0013111, OMIM 613070.

Submission:

Women's Health and Genetics/Laboratory Corporation of America, LabCorp
Classification: Likely pathogenic for Acute infantile liver failure due to synthesis defect of mtDNA-encoded proteins. Last evaluated: 2022-10-21. Review status: criteria provided, single submitter. Criteria: LabCorp Variant Classification Summary - May 2015. Collection method: clinical testing. Allele origin: germline.
Comment: Variant summary: LARS c.1755G>A (p.Trp585X) results in a premature termination codon, predicted to cause a truncation of the encoded protein or absence of the protein due to nonsense mediated decay, which are commonly known mechanisms for disease. Truncations downstream of this position have been classified as pathogenic within ClinVar (e.g. c.3313C>T [p.Arg1105Ter]). The variant was absent in 251260 control chromosomes (gnomAD). To our knowledge, no occurrence of c.1755G>A in individuals affected with Liver Failure Acute Infantile, Type 1 and no experimental evidence demonstrating its impact on protein function have been reported. No clinical diagnostic laboratories have submitted clinical-significance assessments for this variant to ClinVar after 2014. Based on the evidence outlined above, the variant was classified as likely pathogenic.

NM_020117.11(LARS1):c.1755G>A (p.Trp585Ter)

Gene: LARS1 (leucyl-tRNA synthetase 1; minus strand). Cytogenetic location: 5q32.
Variant type: single nucleotide variant.
Coding change: c.1755G>A on transcript NM_020117.11 (MANE Select); coding-DNA position 1755, G replaced by A.
Protein change: p.Trp585Ter; replaces tryptophan 585 with a stop codon.
Molecular consequence: nonsense.
Genome position (GRCh38, 1-based): chr5:146,143,534, C>T on the plus strand (G>A on the coding strand, the complement: LARS1 is on the minus strand). VCF-style: chr5-146143534-C-T. GRCh37 (hg19) VCF-style: chr5-145523097-C-T.
Other names: c.1617G>A, p.Trp539Ter (NM_001317964.2); c.1593G>A, p.Trp531Ter (NM_001317965.2); c.1674G>A, p.Trp558Ter (NM_016460.4); short protein forms W531*, W539*, W558*, W585*.
Identifiers: ClinVar variation 1723363 (VCV001723363.1), dbSNP rs758363727, ClinGen allele CA361608854.